The following is an entry in ClinVar:

ClinVar aggregate classification (germline): Likely benign. Review status: criteria provided, multiple submitters, no conflicts (2 of 4 stars). 4 submissions from 4 submitters: Likely benign (4). Last evaluated 2025-05-25.

Conditions:
Tietz syndrome (TADS). Also called: HYPOPIGMENTATION/DEAFNESS OF TIETZ; TIETZ ALBINISM-DEAFNESS SYNDROME; ALBINISM-DEAFNESS OF TIETZ. Identifiers: Orphanet 42665, MedGen C0391816, MONDO:0007077, OMIM 103500.
Waardenburg syndrome type 2A (WS2A). Also called: WAARDENBURG SYNDROME WITHOUT DYSTOPIA CANTHORUM. Identifiers: Orphanet 3440, MedGen C1860339, MONDO:0008671, OMIM 193510.
Melanoma, cutaneous malignant, susceptibility to, 8. Also called: Cutaneous malignant melanoma 8; MELANOMA AND RENAL CELL CARCINOMA, SUSCEPTIBILITY TO. Identifiers: Orphanet 293822, MedGen C3152204, MONDO:0013759, OMIM 614456.
Hereditary cancer-predisposing syndrome. Also called: Neoplastic Syndromes, Hereditary; Hereditary Cancer Syndrome; Hereditary neoplastic syndrome; Tumor predisposition. Identifiers: Orphanet 140162, MedGen C0027672, MeSH D009386, MONDO:0015356.

Submissions (4):

Ambry Genetics
Classification: Likely benign for Hereditary cancer-predisposing syndrome. Last evaluated: 2025-05-25. Review status: criteria provided, single submitter. Criteria: Ambry Variant Classification Scheme 2023. Collection method: clinical testing. Allele origin: germline.

Labcorp Genetics (formerly Invitae), Labcorp
Classification: Likely benign for Melanoma, cutaneous malignant, susceptibility to, 8; Waardenburg syndrome type 2A; Tietz syndrome. Last evaluated: 2025-04-17. Review status: criteria provided, single submitter. Criteria: Invitae Variant Classification Sherloc (09022015). Collection method: clinical testing. Allele origin: germline.

CeGaT Center for Human Genetics Tuebingen
Classification: Likely benign. Last evaluated: 2024-06-01. Review status: criteria provided, single submitter. Criteria: CeGaT Center For Human Genetics Tuebingen Variant Classification Criteria Version 2. Collection method: clinical testing. Allele origin: germline. Affected: yes. Observed: 1 variant allele.
Comment: MITF: PM2:Supporting, BP4, BP7

GeneDx
Classification: Likely benign. Last evaluated: 2020-12-09. Review status: criteria provided, single submitter. Criteria: GeneDx Variant Classification Process June 2021. Collection method: clinical testing. Allele origin: germline. Affected: yes.
Comment: Not observed in large population cohorts (Lek et al., 2016)

NM_001354604.2(MITF):c.1392G>A (p.Gly464=)

Gene: MITF (melanocyte inducing transcription factor; plus strand). Cytogenetic location: 3p13.
Variant type: single nucleotide variant.
Coding change: c.1392G>A on transcript NM_001354604.2 (MANE Select); coding-DNA position 1392, G replaced by A.
Protein change: p.Gly464=; no amino-acid change (glycine 464 retained).
Molecular consequence: synonymous variant.
Genome position (GRCh38, 1-based): chr3:69,965,059, G>A. VCF-style: chr3-69965059-G-A. GRCh37 (hg19) VCF-style: chr3-70014210-G-A.
Other names: c.1071G>A, p.Gly357= (NM_000248.4); c.1218G>A, p.Gly406= (NM_001184967.2, NM_001354608.2); c.1389G>A, p.Gly463= (NM_001354605.2); c.1371G>A, p.Gly457= (NM_001354606.2, NM_006722.3); c.1323G>A, p.Gly441= (NM_001354607.2); c.1053G>A, p.Gly351= (NM_198158.3); c.1374G>A, p.Gly458= (NM_198159.3); c.1326G>A, p.Gly442= (NM_198177.3); and 1 more.
Identifiers: ClinVar variation 1203528 (VCV001203528.22), dbSNP rs753959394, ClinGen allele CA434433756.
Genomic context (GRCh38, chr3:69,965,059, plus strand): 5'-TACAACAACTCTCGATCTCACGGATGGCACCATCACCTTCAACAACAACCTCGGAACTGG[G>A]ACTGAGGCCAACCAAGCCTATAGTGTCCCCACAAAAATGGGATCCAAACTGGAAGACATC-3'
Protein context (NP_001341533.1, residues 454-474): TITFNNNLGT[Gly464=]TEANQAYSVP